The following is an entry in ClinVar:

ClinVar aggregate classification (germline): Likely benign. Review status: criteria provided, multiple submitters, no conflicts (2 of 4 stars). 3 submissions from 3 submitters: Likely benign (2). 1 of the submissions does not count toward it. Last evaluated 2024-03-07.

Conditions:
CACNA2D2-related disorder. Also called: CACNA2D2-related condition.
Early-infantile DEE. Also called: Ohtahara syndrome; Early infantile epileptic encephalopathy with suppression bursts; Early infantile epileptic encephalopathy. Identifiers: Orphanet 1934, MedGen C0393706, MONDO:0800491.

Allele frequency attached by ClinVar (database versions not stated): gnomAD 0.00001; TOPMed 0.00001; ExAC 0.00002; gnomAD exomes 0.00002 and 0.00003.
gnomAD v4.1: 13 of 1,612,790 alleles (0.00081%); highest among the groups gnomAD compares: Non-Finnish European, 0.0011%; no homozygotes.

Submissions (3):

Blueprint Genetics
Classification: Likely benign. Last evaluated: 2024-03-07. Review status: criteria provided, single submitter. Criteria: ACMG Guidelines, 2015. Collection method: clinical testing. Allele origin: germline.

Labcorp Genetics (formerly Invitae), Labcorp
Classification: Likely benign for Early-infantile DEE. Last evaluated: 2023-07-30. Review status: criteria provided, single submitter. Criteria: Invitae Variant Classification Sherloc (09022015). Collection method: clinical testing. Allele origin: germline.

PreventionGenetics, part of Exact Sciences
Classification: Likely benign for CACNA2D2-related condition. Last evaluated: 2024-03-05. Review status: no assertion criteria provided. Collection method: clinical testing. Allele origin: germline. Not counted in ClinVar's aggregate classification.
Comment: This variant is classified as likely benign based on ACMG/AMP sequence variant interpretation guidelines (Richards et al. 2015 PMID: 25741868, with internal and published modifications).

NM_006030.4(CACNA2D2):c.1774-7C>T

Gene: CACNA2D2 (calcium voltage-gated channel auxiliary subunit alpha2delta 2; minus strand). Cytogenetic location: 3p21.31.
Variant type: single nucleotide variant.
Coding change: c.1774-7C>T on transcript NM_006030.4 (MANE Select); 7 bases into the intron before coding-DNA position 1774, C replaced by T.
Molecular consequence: intron variant.
Genome position (GRCh38, 1-based): chr3:50,375,887, G>A on the plus strand (C>T on the coding strand, the complement: CACNA2D2 is on the minus strand). VCF-style: chr3-50375887-G-A. GRCh37 (hg19) VCF-style: chr3-50413318-G-A.
Other names: c.1567-7C>T (NM_001291101.1); c.1774-7C>T (NM_001005505.3, NM_001174051.3, NM_006030.3).
Identifiers: ClinVar variation 1108508 (VCV001108508.11), dbSNP rs756092015, ClinGen allele CA2418733.
Genomic context (GRCh38, chr3:50,375,887, plus strand): 5'-CAACGTTCTGATCTGCTTGTGGCCCTTGTTGCCATCAATCATGCTCCGACGGATCTGGAA[G>A]GGCCAGAGATGTGAGGGGCAGGGCCCCTACACTCCTCTGCTCTGTCCCCCACCCCTGTTC-3'